The following is an entry in ClinVar:

ClinVar aggregate classification (germline): Uncertain significance. Review status: criteria provided, multiple submitters, no conflicts (2 of 4 stars). 2 submissions from 2 submitters: Uncertain significance (2). Last evaluated 2025-06-17.

Conditions:
Inborn genetic diseases. Identifiers: MedGen C0950123, MeSH D030342.

Submissions (2):

Ambry Genetics
Classification: Uncertain significance for Inborn genetic diseases. Last evaluated: 2025-06-17. Review status: criteria provided, single submitter. Criteria: Ambry Variant Classification Scheme 2023. Collection method: clinical testing. Allele origin: germline.

Labcorp Genetics (formerly Invitae), Labcorp
Classification: Uncertain significance. Last evaluated: 2022-09-07. Review status: criteria provided, single submitter. Criteria: Invitae Variant Classification Sherloc (09022015). Collection method: clinical testing. Allele origin: germline.
Comment: This sequence change replaces aspartic acid, which is acidic and polar, with glutamic acid, which is acidic and polar, at codon 687 of the SLC26A3 protein (p.Asp687Glu). This variant is present in population databases (rs753904335, gnomAD 0.04%). This variant has not been reported in the literature in individuals affected with SLC26A3-related conditions. Algorithms developed to predict the effect of missense changes on protein structure and function are either unavailable or do not agree on the potential impact of this missense change (SIFT: "Tolerated"; PolyPhen-2: "Possibly Damaging"; Align-GVGD: "Class C0"). In summary, the available evidence is currently insufficient to determine the role of this variant in disease. Therefore, it has been classified as a Variant of Uncertain Significance.

NM_000111.3(SLC26A3):c.2061T>A (p.Asp687Glu)

Gene: SLC26A3 (solute carrier family 26 member 3; minus strand). Cytogenetic location: 7q22.3.
Variant type: single nucleotide variant.
Coding change: c.2061T>A on transcript NM_000111.3 (MANE Select); coding-DNA position 2061, T replaced by A.
Protein change: p.Asp687Glu; replaces aspartic acid 687 with glutamic acid.
Molecular consequence: missense variant.
Genome position (GRCh38, 1-based): chr7:107,772,055, A>T on the plus strand (T>A on the coding strand, the complement: SLC26A3 is on the minus strand). VCF-style: chr7-107772055-A-T. GRCh37 (hg19) VCF-style: chr7-107412500-A-T.
Other names: short protein forms D687E.
Identifiers: ClinVar variation 1916568 (VCV001916568.3), dbSNP rs753904335, ClinGen allele CA4433614.